The following is an entry in ClinVar:

NM_001844.5(COL2A1):c.2485C>G (p.Pro829Ala)

Gene: COL2A1 (collagen type II alpha 1 chain; minus strand). Cytogenetic location: 12q13.11.
Variant type: single nucleotide variant.
Coding change: c.2485C>G on transcript NM_001844.5 (MANE Select); coding-DNA position 2485, C replaced by G.
Protein change: p.Pro829Ala; replaces proline 829 with alanine.
Molecular consequence: missense variant.
Genome position (GRCh38, 1-based): chr12:47,980,947, G>C on the plus strand (C>G on the coding strand, the complement: COL2A1 is on the minus strand). VCF-style: chr12-47980947-G-C. GRCh37 (hg19) VCF-style: chr12-48374730-G-C.
Other names: c.2278C>G, p.Pro760Ala (NM_033150.3); short protein forms P760A, P829A.
Identifiers: ClinVar variation 1310219 (VCV001310219.5), dbSNP rs745794356, ClinGen allele CA384544985.

ClinVar aggregate classification (germline): Conflicting classifications of pathogenicity. Review status: criteria provided, conflicting classifications (1 of 4 stars). 2 submissions from 2 submitters: Uncertain significance (1); Likely benign (1). Last evaluated 2022-12-13.

gnomAD v4.1: 4 of 1,552,334 alleles (0.00026%); highest among the groups gnomAD compares: Non-Finnish European, 0.00035%; no homozygotes.

Submissions (2):

Labcorp Genetics (formerly Invitae), Labcorp
Classification: Likely benign. Last evaluated: 2022-12-13. Review status: criteria provided, single submitter. Criteria: Invitae Variant Classification Sherloc (09022015). Collection method: clinical testing. Allele origin: germline.

GeneDx
Classification: Uncertain significance. Last evaluated: 2019-11-11. Review status: criteria provided, single submitter. Criteria: GeneDx Variant Classification Process June 2021. Collection method: clinical testing. Allele origin: germline. Affected: yes.
Comment: Has not been previously published as pathogenic or benign to our knowledge; Not observed at a significant frequency in large population cohorts (Lek et al., 2016); In silico analysis, which includes protein predictors and evolutionary conservation, supports a deleterious effect; Occurs in the triple helical domain at the X position in the canonical Gly-X-Y repeat; although this variant may have an effect on normal protein folding and function, missense substitution at the X position is not a common mechanism of disease (Stenson et al., 2014)